The following is an entry in ClinVar:

NM_000384.3(APOB):c.5617G>A (p.Ala1873Thr)

Gene: APOB (apolipoprotein B; minus strand). Cytogenetic location: 2p24.1.
Variant type: single nucleotide variant.
Coding change: c.5617G>A on transcript NM_000384.3 (MANE Select); coding-DNA position 5617, G replaced by A.
Protein change: p.Ala1873Thr; replaces alanine 1873 with threonine.
Molecular consequence: missense variant.
Genome position (GRCh38, 1-based): chr2:21,011,251, C>T on the plus strand (G>A on the coding strand, the complement: APOB is on the minus strand). VCF-style: chr2-21011251-C-T. GRCh37 (hg19) VCF-style: chr2-21234123-C-T.
Other names: short protein forms A1873T.
Identifiers: ClinVar variation 922933 (VCV000922933.11), dbSNP rs750451480, ClinGen allele CA062283.

ClinVar aggregate classification (germline): Conflicting classifications of pathogenicity. Review status: criteria provided, conflicting classifications (1 of 4 stars). 4 submissions from 4 submitters: Uncertain significance (3); Likely benign (1). Last evaluated 2025-01-08.

Conditions:
Familial hypobetalipoproteinemia 1. Also called: Hypobetalipoproteinemia, normotriglyceridemic; Acanthocytosis with hypobetalipoproteinemia; APOB-Related Familial Hypobetalipoproteinemia. Identifiers: MedGen C4551990, MONDO:0014252, OMIM 615558.
Hypercholesterolemia, autosomal dominant, type B (FHCL2). Also called: Familial Hypercholesterolemia Type B; HYPERCHOLESTEROLEMIA, FAMILIAL, DUE TO LIGAND-DEFECTIVE APOLIPOPROTEIN B; Familial hypercholesterolemia 2; APOB-Related Familial Hypercholesterolemia, Autosomal Dominant; APOLIPOPROTEIN B-100, FAMILIAL DEFECTIVE; APOLIPOPROTEIN B-100, FAMILIAL LIGAND-DEFECTIVE. Identifiers: MedGen C1704417, MONDO:0007751, OMIM 144010.
APOB-related disorder. Also called: APOB-related disorders; APOB-related condition.
Cardiovascular phenotype. Identifiers: MedGen CN230736.

Allele frequency attached by ClinVar (database versions not stated): ExAC 0.00001; gnomAD 0.00001; gnomAD exomes 0.00001 and 0.00002; TOPMed 0.00002.
gnomAD v4.1: 15 of 1,614,084 alleles (0.00093%); highest among the groups gnomAD compares: South Asian, 0.0033%; no homozygotes.

Submissions (4):

Ambry Genetics
Classification: Uncertain significance for Cardiovascular phenotype. Last evaluated: 2025-01-08. Review status: criteria provided, single submitter. Criteria: Ambry Variant Classification Scheme 2023. Collection method: clinical testing. Allele origin: germline.

Labcorp Genetics (formerly Invitae), Labcorp
Classification: Likely benign for Familial hypobetalipoproteinemia 1; Hypercholesterolemia, autosomal dominant, type B. Last evaluated: 2024-01-19. Review status: criteria provided, single submitter. Criteria: Invitae Variant Classification Sherloc (09022015). Collection method: clinical testing. Allele origin: germline.

PreventionGenetics, part of Exact Sciences
Classification: Uncertain significance for APOB-related condition. Last evaluated: 2022-08-18. Review status: criteria provided, single submitter. Criteria: ACMG Guidelines, 2015. Collection method: clinical testing. Allele origin: germline.
Comment: The APOB c.5617G>A variant is predicted to result in the amino acid substitution p.Ala1873Thr. To our knowledge, this variant has not been reported in the literature. This variant is reported in 0.0033% of alleles in individuals of South Asian descent in gnomAD. At this time, the clinical significance of this variant is uncertain due to the absence of conclusive functional and genetic evidence.

Fulgent Genetics
Classification: Uncertain significance for Hypercholesterolemia, autosomal dominant, type B; Familial hypobetalipoproteinemia 1. Last evaluated: 2021-10-31. Review status: criteria provided, single submitter. Criteria: ACMG Guidelines, 2015. Collection method: clinical testing. Allele origin: unknown.